The following is an entry in ClinVar:

NM_170784.3(MKKS):c.1410_1413del (p.Thr470_Asp471insTer)

Gene: MKKS (MKKS centrosomal shuttling protein; minus strand). Cytogenetic location: 20p12.2.
Variant type: Deletion.
Coding change: c.1410_1413del on transcript NM_170784.3 (MANE Select); coding-DNA positions 1410 to 1413, 4 bases deleted (TGAC; older notation c.1410_1413delTGAC).
Protein change: p.Thr470_Asp471insTer.
Molecular consequence: frameshift variant. On other transcripts: non-coding transcript variant (1).
Genome position (GRCh38, 1-based): chr20:10,405,547-10,405,550, GTCA deleted on the plus strand (TGAC on the coding strand, the reverse complement: MKKS is on the minus strand); deleting any 4 consecutive bases within chr20:10,405,547-10,405,552 gives the same sequence; the c. name uses the placement nearest the transcript's 3' end. VCF-style (leftmost placement, unchanged base first): chr20-10405546-TGTCA-T. GRCh37 (hg19) VCF-style: chr20-10386194-TGTCA-T.
Other names: c.1410_1413del, p.Thr470_Asp471insTer (NM_018848.3).
Identifiers: ClinVar variation 2676536 (VCV002676536.6), dbSNP rs1171514864, ClinGen allele CA741035982.

ClinVar aggregate classification (germline): Pathogenic/Likely pathogenic. Review status: criteria provided, multiple submitters, no conflicts (2 of 4 stars). 4 submissions from 4 submitters: Pathogenic (1); Likely pathogenic (3). Last evaluated 2024-02-14.

Conditions:
Bardet-Biedl syndrome (BBS). Identifiers: Orphanet 110, MedGen C0752166, MONDO:0015229.
McKusick-Kaufman syndrome (MKKS). Also called: HYDROMETROCOLPOS SYNDROME; HYDROMETROCOLPOS, POSTAXIAL POLYDACTYLY, AND CONGENITAL HEART MALFORMATION. Identifiers: Orphanet 2473, MedGen C0948368, MONDO:0009367, OMIM 236700.
Bardet-Biedl syndrome 6 (BBS6). Identifiers: Orphanet 110, MedGen C1858054, MONDO:0011523, OMIM 605231.
MKKS-related disorder. Also called: MKKS-related condition; MKKS-related disorders.

Submissions (4):

Fulgent Genetics
Classification: Likely pathogenic for McKusick-Kaufman syndrome; Bardet-Biedl syndrome 6. Last evaluated: 2024-02-14. Review status: criteria provided, single submitter. Criteria: ACMG Guidelines, 2015. Collection method: clinical testing. Allele origin: germline.

Baylor Genetics
Classification: Likely pathogenic for Bardet-Biedl syndrome 6. Last evaluated: 2023-08-11. Review status: criteria provided, single submitter. Criteria: ACMG Guidelines, 2015. Collection method: clinical testing. Allele origin: unknown.

Labcorp Genetics (formerly Invitae), Labcorp
Classification: Pathogenic for McKusick-Kaufman syndrome; Bardet-Biedl syndrome. Last evaluated: 2023-07-07. Review status: criteria provided, single submitter. Criteria: Invitae Variant Classification Sherloc (09022015). Collection method: clinical testing. Allele origin: germline.
Comment: For these reasons, this variant has been classified as Pathogenic. This variant disrupts a region of the MKKS protein in which other variant(s) (p.Ser479*) have been determined to be pathogenic (PMID: 15770229, 33138063). This suggests that this is a clinically significant region of the protein, and that variants that disrupt it are likely to be disease-causing. This variant has not been reported in the literature in individuals affected with MKKS-related conditions. This variant is not present in population databases (gnomAD no frequency). This sequence change creates a premature translational stop signal (p.Asp471*) in the MKKS gene. While this is not anticipated to result in nonsense mediated decay, it is expected to disrupt the last 100 amino acid(s) of the MKKS protein.

Blueprint Genetics
Classification: Likely pathogenic for MKKS-related disorders. Last evaluated: 2022-06-24. Review status: criteria provided, single submitter. Criteria: ACMG Guidelines, 2015. Collection method: clinical testing. Allele origin: germline. Affected: yes. Observed: 1 variant allele.

Literature cited by the submitters: PubMed 15770229 (cited by Labcorp Genetics (formerly Invitae), Labcorp); PubMed 33138063 (cited by Labcorp Genetics (formerly Invitae), Labcorp).